The following is an entry in ClinVar:

ClinVar aggregate classification (germline): Uncertain significance (1 of 4 stars; one submission).

Submission:

Labcorp Genetics (formerly Invitae), Labcorp
Classification: Uncertain significance. Last evaluated: 2023-05-31. Review status: criteria provided, single submitter. Criteria: Invitae Variant Classification Sherloc (09022015). Collection method: clinical testing. Allele origin: germline.
Comment: In summary, the available evidence is currently insufficient to determine the role of this variant in disease. Therefore, it has been classified as a Variant of Uncertain Significance. Experimental studies and prediction algorithms are not available or were not evaluated, and the functional significance of this variant is currently unknown. This variant has not been reported in the literature in individuals affected with PCLO-related conditions. This variant is not present in population databases (gnomAD no frequency). This sequence change replaces tryptophan, which is neutral and slightly polar, with cysteine, which is neutral and slightly polar, at codon 3237 of the PCLO protein (p.Trp3237Cys).

NM_033026.6(PCLO):c.9711G>T (p.Trp3237Cys)

Gene: PCLO (piccolo presynaptic cytomatrix protein; minus strand). Cytogenetic location: 7q21.11.
Variant type: single nucleotide variant.
Coding change: c.9711G>T on transcript NM_033026.6 (MANE Select); coding-DNA position 9711, G replaced by T.
Protein change: p.Trp3237Cys; replaces tryptophan 3237 with cysteine.
Molecular consequence: missense variant.
Genome position (GRCh38, 1-based): chr7:82,950,877, C>A on the plus strand (G>T on the coding strand, the complement: PCLO is on the minus strand). VCF-style: chr7-82950877-C-A. GRCh37 (hg19) VCF-style: chr7-82580193-C-A.
Other names: c.9711G>T, p.Trp3237Cys (NM_014510.3); short protein forms W3237C.
Identifiers: ClinVar variation 2752738 (VCV002752738.3), dbSNP rs2535679266, ClinGen allele CA367906823.